The following is an entry in ClinVar:

ClinVar aggregate classification (germline): Pathogenic (1 of 4 stars; one submission).

Submission:

Ambry Genetics
Classification: Pathogenic. Last evaluated: 2024-12-23. Review status: criteria provided, single submitter. Criteria: Ambry Variant Classification Scheme 2023. Collection method: clinical testing. Allele origin: germline.
Comment: The c.1604delT (p.L535*) alteration, located in exon 15 (coding exon 14) of the CAPRIN1 gene, consists of a deletion of one nucleotide at position 1604. This changes the amino acid from a leucine (L) to a stop codon at amino acid position 535. This alteration is expected to result in loss of function by premature protein truncation or nonsense-mediated mRNA decay. This variant was not reported in population-based cohorts in the Genome Aggregation Database (gnomAD). Based on the available evidence, this alteration is classified as pathogenic.

NM_005898.5(CAPRIN1):c.1604del (p.Thr534_Leu535insTer)

Gene: CAPRIN1 (cell cycle associated protein 1; plus strand). Cytogenetic location: 11p13.
Variant type: Deletion.
Coding change: c.1604del on transcript NM_005898.5 (MANE Select); coding-DNA position 1604, one base deleted (T; older notation c.1604delT).
Protein change: p.Thr534_Leu535insTer.
Molecular consequence: nonsense.
Genome position (GRCh38, 1-based): chr11:34,091,955, T deleted; the last of 3 consecutive T bases (chr11:34,091,953-34,091,955); deleting any one gives the same sequence. VCF-style (leftmost placement, unchanged base first): chr11-34091952-CT-C. GRCh37 (hg19) VCF-style: chr11-34113499-CT-C.
Other names: c.1604del, p.Thr534_Leu535insTer (NM_203364.3).
Identifiers: ClinVar variation 3827321 (VCV003827321.1).